The following is an entry in ClinVar:

ClinVar aggregate classification (germline): Uncertain significance (1 of 4 stars; one submission).

gnomAD v4.1: 6 of 1,609,544 alleles (0.00037%); highest among the groups gnomAD compares: African/African-American, 0.008%; no homozygotes.

Submission:

GeneDx
Classification: Uncertain significance. Last evaluated: 2026-03-11. Review status: criteria provided, single submitter. Criteria: GeneDx Variant Classification Process June 2021. Collection method: clinical testing. Allele origin: germline.
Comment: In silico analysis suggests that this missense variant does not alter protein structure/function; Has not been previously published as pathogenic or benign to our knowledge

NM_014396.4(VPS41):c.941G>C (p.Cys314Ser)

Gene: VPS41 (VPS41 subunit of HOPS complex; minus strand). Cytogenetic location: 7p14.1.
Variant type: single nucleotide variant.
Coding change: c.941G>C on transcript NM_014396.4 (MANE Select); coding-DNA position 941, G replaced by C.
Protein change: p.Cys314Ser; replaces cysteine 314 with serine.
Molecular consequence: missense variant.
Genome position (GRCh38, 1-based): chr7:38,774,186, C>G on the plus strand (G>C on the coding strand, the complement: VPS41 is on the minus strand). VCF-style: chr7-38774186-C-G. GRCh37 (hg19) VCF-style: chr7-38813786-C-G.
Other names: c.866G>C, p.Cys289Ser (NM_080631.4); short protein forms C289S, C314S.
Identifiers: ClinVar variation 5008883 (VCV005008883.1).